The following is an entry in ClinVar:

ClinVar aggregate classification (germline): Uncertain significance (1 of 4 stars; one submission).

Submission:

Labcorp Genetics (formerly Invitae), Labcorp
Classification: Uncertain significance. Last evaluated: 2024-09-12. Review status: criteria provided, single submitter. Criteria: Invitae Variant Classification Sherloc (09022015). Collection method: clinical testing. Allele origin: germline.
Comment: This sequence change replaces phenylalanine, which is neutral and non-polar, with leucine, which is neutral and non-polar, at codon 201 of the TNFRSF9 protein (p.Phe201Leu). This variant is not present in population databases (gnomAD no frequency). This variant has not been reported in the literature in individuals affected with TNFRSF9-related conditions. An algorithm developed to predict the effect of missense changes on protein structure and function outputs the following: PolyPhen-2: "Benign". The leucine amino acid residue is found in multiple mammalian species, which suggests that this missense change does not adversely affect protein function. In summary, the available evidence is currently insufficient to determine the role of this variant in disease. Therefore, it has been classified as a Variant of Uncertain Significance.

NM_001561.6(TNFRSF9):c.601T>C (p.Phe201Leu)

Gene: TNFRSF9 (TNF receptor superfamily member 9; minus strand). Cytogenetic location: 1p36.23.
Variant type: single nucleotide variant.
Coding change: c.601T>C on transcript NM_001561.6 (MANE Select); coding-DNA position 601, T replaced by C.
Protein change: p.Phe201Leu; replaces phenylalanine 201 with leucine.
Molecular consequence: missense variant.
Genome position (GRCh38, 1-based): chr1:7,933,240, A>G on the plus strand (T>C on the coding strand, the complement: TNFRSF9 is on the minus strand). VCF-style: chr1-7933240-A-G. GRCh37 (hg19) VCF-style: chr1-7993300-A-G.
Other names: short protein forms F201L.
Identifiers: ClinVar variation 3664158 (VCV003664158.2).